The following is an entry in ClinVar:

NM_001348716.2(KDM6B):c.3684C>T (p.Leu1228=)

Genes: KDM6B (lysine demethylase 6B; plus strand), LOC121587574 (Sharpr-MPRA regulatory region 3930; plus strand). Cytogenetic location: 17p13.1.
Variant type: single nucleotide variant.
Coding change: c.3684C>T on transcript NM_001348716.2 (MANE Select); coding-DNA position 3684, C replaced by T.
Protein change: p.Leu1228=; no amino-acid change (leucine 1228 retained).
Molecular consequence: synonymous variant.
Genome position (GRCh38, 1-based): chr17:7,851,031, C>T. VCF-style: chr17-7851031-C-T. GRCh37 (hg19) VCF-style: chr17-7754349-C-T.
Other names: c.3684C>T, p.Leu1228= (NM_001080424.2).
Identifiers: ClinVar variation 3765841 (VCV003765841.1).

ClinVar aggregate classification (germline): Uncertain significance (1 of 4 stars; one submission).

gnomAD v4.1: 1 of 1,607,450 alleles (0.000062%); no homozygotes.

Submission:

Greenwood Genetic Center Diagnostic Laboratories, Greenwood Genetic Center
Classification: Uncertain significance. Last evaluated: 2024-12-20. Review status: criteria provided, single submitter. Criteria: ACMG Guidelines, 2015. Collection method: clinical testing. Allele origin: germline. Affected: yes.
Comment: PM2